The following is an entry in ClinVar:

ClinVar aggregate classification (germline): Uncertain significance (1 of 4 stars; one submission).

gnomAD v4.1: 16 of 1,612,748 alleles (0.00099%); highest among the groups gnomAD compares: Non-Finnish European, 0.0014%; no homozygotes.

Submission:

Labcorp Genetics (formerly Invitae), Labcorp
Classification: Uncertain significance. Last evaluated: 2025-07-16. Review status: criteria provided, single submitter. Criteria: Invitae Variant Classification Sherloc (09022015). Collection method: clinical testing. Allele origin: germline.
Comment: This sequence change replaces leucine, which is neutral and non-polar, with proline, which is neutral and non-polar, at codon 15 of the JAM3 protein (p.Leu15Pro). This variant is present in population databases (rs760222807, gnomAD 0.006%). This variant has not been reported in the literature in individuals affected with JAM3-related conditions. An algorithm developed to predict the effect of missense changes on protein structure and function outputs the following: PolyPhen-2: "Not Available". The proline amino acid residue is found in multiple mammalian species, which suggests that this missense change does not adversely affect protein function. In summary, the available evidence is currently insufficient to determine the role of this variant in disease. Therefore, it has been classified as a Variant of Uncertain Significance.

NM_032801.5(JAM3):c.44T>C (p.Leu15Pro)

Gene: JAM3 (junctional adhesion molecule 3; plus strand). Cytogenetic location: 11q25.
Variant type: single nucleotide variant.
Coding change: c.44T>C on transcript NM_032801.5 (MANE Select); coding-DNA position 44, T replaced by C.
Protein change: p.Leu15Pro; replaces leucine 15 with proline.
Molecular consequence: missense variant.
Genome position (GRCh38, 1-based): chr11:134,069,127, T>C. VCF-style: chr11-134069127-T-C. GRCh37 (hg19) VCF-style: chr11-133939022-T-C.
Other names: c.44T>C, p.Leu15Pro (NM_001205329.2); short protein forms L15P.
Identifiers: ClinVar variation 4797406 (VCV004797406.1).
Genomic context (GRCh38, chr11:134,069,127, plus strand): 5'-CCTCAGCAACCCTCGACATGGCGCTGAGGCGGCCACCGCGACTCCGGCTCTGCGCTCGGC[T>C]GCCTGACTTCTTCCTGCTGCTGCTTTTCAGGGGTGAGTTTGCGCGTTTCCGCTGTTGGGA-3'
Protein context (NP_116190.3, residues 5-25): RPPRLRLCAR[Leu15Pro]PDFFLLLLFR